The following is an entry in ClinVar:

NM_017672.6(TRPM7):c.2663T>G (p.Ile888Ser)

Gene: TRPM7 (transient receptor potential cation channel subfamily M member 7; minus strand). Cytogenetic location: 15q21.2.
Variant type: single nucleotide variant.
Coding change: c.2663T>G on transcript NM_017672.6 (MANE Select); coding-DNA position 2663, T replaced by G.
Protein change: p.Ile888Ser; replaces isoleucine 888 with serine.
Molecular consequence: missense variant. On other transcripts: non-coding transcript variant (3).
Genome position (GRCh38, 1-based): chr15:50,607,246, A>C on the plus strand (T>G on the coding strand, the complement: TRPM7 is on the minus strand). VCF-style: chr15-50607246-A-C. GRCh37 (hg19) VCF-style: chr15-50899443-A-C.
Other names: c.2663T>G, p.Ile888Ser (NM_001301212.2); short protein forms I888S.
Identifiers: ClinVar variation 5031164 (VCV005031164.1).
Genomic context (GRCh38, chr15:50,607,246, plus strand): 5'-AACTAAAGACATACCTCACGGACTTTCTCAATGGCATAAGTAAAAATATAAGCAATAACA[A>C]TCCATTCTTGAACTGAAGGTAACTGTTCCATTTGTACAAGAACCACAAATGTATAAAGCA-3'
Protein context (NP_060142.3, residues 878-898): MEQLPSVQEW[Ile888Ser]VIAYIFTYAI

ClinVar aggregate classification (germline): Uncertain significance (1 of 4 stars; one submission).

gnomAD v4.1: 2 of 1,611,700 alleles (0.00012%); highest among the groups gnomAD compares: Non-Finnish European, 0.00017%; no homozygotes.

Submission:

Ambry Genetics
Classification: Uncertain significance. Last evaluated: 2026-07-19. Review status: criteria provided, single submitter. Criteria: Ambry Variant Classification Scheme 2023. Collection method: clinical testing. Allele origin: germline.
Comment: The c.2663T>G (p.I888S) alteration is located in exon 20 (coding exon 20) of the TRPM7 gene. This alteration results from a T to G substitution at nucleotide position 2663, causing the isoleucine (I) at amino acid position 888 to be replaced by a serine (S). Based on data from gnomAD, the G allele has an overall frequency of <0.001% (1/247184) total alleles studied. The highest observed frequency was 0.001% (1/112668) of European (non-Finnish) alleles. Based on insufficient or conflicting evidence, the clinical significance of this alteration remains unclear.